The following is an entry in ClinVar:

ClinVar aggregate classification (germline): Uncertain significance (1 of 4 stars; one submission).

Conditions:
Hereditary cancer-predisposing syndrome. Also called: Neoplastic Syndromes, Hereditary; Tumor predisposition; Hereditary Cancer Syndrome; Hereditary neoplastic syndrome. Identifiers: Orphanet 140162, MedGen C0027672, MeSH D009386, MONDO:0015356.

Submission:

Ambry Genetics
Classification: Uncertain significance for Hereditary cancer-predisposing syndrome. Last evaluated: 2026-04-28. Review status: criteria provided, single submitter. Criteria: Ambry Variant Classification Scheme 2023. Collection method: clinical testing. Allele origin: germline.
Comment: The p.L352F variant (also known as c.1056G>C), located in coding exon 10 of the PMS2 gene, results from a G to C substitution at nucleotide position 1056. The leucine at codon 352 is replaced by phenylalanine, an amino acid with highly similar properties. This amino acid position is conserved. In addition, the in silico prediction for this alteration is inconclusive. Based on the available evidence, the clinical significance of this variant remains unclear.

NM_000535.7(PMS2):c.1056G>C (p.Leu352Phe)

Gene: PMS2 (PMS1 homolog 2, mismatch repair system component; minus strand). Cytogenetic location: 7p22.1.
Variant type: single nucleotide variant.
Coding change: c.1056G>C on transcript NM_000535.7 (MANE Select); coding-DNA position 1056, G replaced by C.
Protein change: p.Leu352Phe; replaces leucine 352 with phenylalanine.
Molecular consequence: missense variant. On other transcripts: non-coding transcript variant (1), intron variant (10).
Genome position (GRCh38, 1-based): chr7:5,989,888, C>G on the plus strand (G>C on the coding strand, the complement: PMS2 is on the minus strand). VCF-style: chr7-5989888-C-G. GRCh37 (hg19) VCF-style: chr7-6029519-C-G.
Other names: c.651G>C, p.Leu217Phe (NM_001322003.2, NM_001322004.2, NM_001322005.2 and 16 more transcripts); c.738G>C, p.Leu246Phe (NM_001322007.2, NM_001322008.2, NM_001406876.1 and 2 more transcripts); c.1056G>C, p.Leu352Phe (NM_001406872.1, NM_001322014.2, NM_001406871.1); c.858G>C, p.Leu286Phe (NM_001406873.1); c.888G>C, p.Leu296Phe (NM_001406874.1); c.747G>C, p.Leu249Phe (NM_001406875.1, NM_001406877.1, NM_001406878.1 and 5 more transcripts); c.543G>C, p.Leu181Phe (NM_001406904.1, NM_001406905.1); c.720G>C, p.Leu240Phe (NM_001406885.1); and 13 more; short protein forms L161F, L181F, L217F, L230F, L240F, L246F, L249F, L286F.
Identifiers: ClinVar variation 4862117 (VCV004862117.1).